The following is an entry in ClinVar:

NM_001903.5(CTNNA1):c.899G>A (p.Arg300His)

Gene: CTNNA1 (catenin alpha 1; plus strand). Cytogenetic location: 5q31.2.
Variant type: single nucleotide variant.
Coding change: c.899G>A on transcript NM_001903.5 (MANE Select); coding-DNA position 899, G replaced by A.
Protein change: p.Arg300His; replaces arginine 300 with histidine.
Molecular consequence: missense variant.
Genome position (GRCh38, 1-based): chr5:138,827,555, G>A. VCF-style: chr5-138827555-G-A. GRCh37 (hg19) VCF-style: chr5-138163244-G-A.
Other names: c.899G>A, p.Arg300His (NM_001290307.3, NM_001323982.2, NM_001323983.1 and 3 more transcripts); c.590G>A, p.Arg197His (NM_001290309.3); c.530G>A, p.Arg177His (NM_001290310.3); short protein forms R177H, R197H, R300H.
Identifiers: ClinVar variation 642287 (VCV000642287.14), dbSNP rs369518072, ClinGen allele CA3431591.

ClinVar aggregate classification (germline): Uncertain significance. Review status: criteria provided, multiple submitters, no conflicts (2 of 4 stars). 4 submissions from 4 submitters: Uncertain significance (4). Last evaluated 2025-08-19.

Conditions:
Hereditary cancer-predisposing syndrome. Also called: Neoplastic Syndromes, Hereditary; Tumor predisposition; Hereditary neoplastic syndrome; Hereditary Cancer Syndrome. Identifiers: Orphanet 140162, MedGen C0027672, MeSH D009386, MONDO:0015356.
Patterned macular dystrophy 2. Identifiers: Orphanet 99001, MedGen C1837029, MONDO:0012162, OMIM 608970.

Allele frequency attached by ClinVar (database versions not stated): gnomAD exomes 0.00001; ExAC 0.00002; ESP Exome Variant Server 0.00008.
gnomAD v4.1: 3 of 1,614,202 alleles (0.00019%); highest among the groups gnomAD compares: South Asian, 0.0011%; no homozygotes.

Submissions (4):

Labcorp Genetics (formerly Invitae), Labcorp
Classification: Uncertain significance. Last evaluated: 2025-08-19. Review status: criteria provided, single submitter. Criteria: Invitae Variant Classification Sherloc (09022015). Collection method: clinical testing. Allele origin: germline.
Comment: This sequence change replaces arginine, which is basic and polar, with histidine, which is basic and polar, at codon 300 of the CTNNA1 protein (p.Arg300His). This variant is present in population databases (rs369518072, gnomAD 0.003%). This missense change has been observed in individual(s) with clinical features of CTNNA1-related conditions (PMID: 32051609). ClinVar contains an entry for this variant (Variation ID: 642287). Invitae Evidence Modeling of protein sequence and biophysical properties (such as structural, functional, and spatial information, amino acid conservation, physicochemical variation, residue mobility, and thermodynamic stability) indicates that this missense variant is not expected to disrupt CTNNA1 protein function with a negative predictive value of 80%. In summary, the available evidence is currently insufficient to determine the role of this variant in disease. Therefore, it has been classified as a Variant of Uncertain Significance.

ARUP Laboratories, Molecular Genetics and Genomics, ARUP Laboratories
Classification: Uncertain significance for Patterned macular dystrophy 2. Last evaluated: 2024-11-12. Review status: criteria provided, single submitter. Criteria: ARUP Molecular Germline Variant Investigation Process 2024. Collection method: clinical testing. Allele origin: germline.
Comment: The CTNNA1 c.899G>A; p.Arg300His variant (rs369518072, ClinVar Variation ID: 642287) is reported in the literature in individuals included in a large cancer screening cohort (Clark 2020). This variant is only observed on two alleles in the Genome Aggregation Database (v2.1.1), indicating it is not a common polymorphism. Computational analyses are uncertain whether this variant is neutral or deleterious (REVEL: 0.289). Due to limited information, the clinical significance of this variant is uncertain at this time. References: Clark DF et al. Loss-of-function variants in CTNNA1 detected on multigene panel testing in individuals with gastric or breast cancer. Genet Med. 2020 May;22(5):840-846. PMID: 32051609.

Ambry Genetics
Classification: Uncertain significance for Hereditary cancer-predisposing syndrome. Last evaluated: 2024-04-01. Review status: criteria provided, single submitter. Criteria: Ambry Variant Classification Scheme 2023. Collection method: clinical testing. Allele origin: germline.
Comment: The p.R300H variant (also known as c.899G>A), located in coding exon 6 of the CTNNA1 gene, results from a G to A substitution at nucleotide position 899. The arginine at codon 300 is replaced by histidine, an amino acid with highly similar properties. This amino acid position is highly conserved in available vertebrate species. In addition, the in silico prediction for this alteration is inconclusive. The evidence for this gene-disease relationship is limited; therefore, the clinical significance of this alteration is unclear.

GeneDx
Classification: Uncertain significance. Last evaluated: 2023-06-15. Review status: criteria provided, single submitter. Criteria: GeneDx Variant Classification Process June 2021. Collection method: clinical testing. Allele origin: germline. Affected: yes.
Comment: Not observed at significant frequency in large population cohorts (gnomAD); In silico analysis supports that this missense variant has a deleterious effect on protein structure/function; Observed in individuals referred for hereditary cancer multi-gene panel testing (Clark et al., 2020); This variant is associated with the following publications: (PMID: 32051609)

Literature cited by the submitters: PubMed 32051609 (cited by Labcorp Genetics (formerly Invitae), Labcorp).